The following is an entry in ClinVar:

ClinVar aggregate classification (germline): Uncertain significance. Review status: criteria provided, multiple submitters, no conflicts (2 of 4 stars). 2 submissions from 2 submitters: Uncertain significance (2). Last evaluated 2018-02-17.

Conditions:
Ataxia-telangiectasia syndrome (AT). Also called: Cerebello-oculocutaneous telangiectasia; Immunodeficiency with ataxia telangiectasia; Ataxia-telangiectasia; Ataxia telangiectasia (A-T); LOUIS-BAR SYNDROME; Ataxia-telangiectasia, complementation group D. Identifiers: Orphanet 100, MedGen C0004135, MONDO:0008840, OMIM 208900.

Allele frequency attached by ClinVar (database versions not stated): TOPMed 0.00001.
gnomAD v4.1: 4 of 1,613,952 alleles (0.00025%); highest among the groups gnomAD compares: Non-Finnish European, 0.00025%; no homozygotes.

Submissions (2):

Labcorp Genetics (formerly Invitae), Labcorp
Classification: Uncertain significance for Ataxia-telangiectasia syndrome. Last evaluated: 2018-02-17. Review status: criteria provided, single submitter. Criteria: Invitae Variant Classification Sherloc (09022015). Collection method: clinical testing. Allele origin: germline.
Comment: In summary, the available evidence is currently insufficient to determine the role of this variant in disease. Therefore, it has been classified as a Variant of Uncertain Significance. Algorithms developed to predict the effect of missense changes on protein structure and function output the following: SIFT: "Tolerated"; PolyPhen-2: "Benign"; Align-GVGD: "Class C0". The serine amino acid residue is found in multiple mammalian species, suggesting that this missense change does not adversely affect protein function. These predictions have not been confirmed by published functional studies and their clinical significance is uncertain. This variant has not been reported in the literature in individuals with ATM-related disease. ClinVar contains an entry for this variant (Variation ID: 246394). This variant is present in population databases (rs2229022, ExAC 0.005%). This sequence change replaces arginine with serine at codon 832 of the ATM protein (p.Arg832Ser). The arginine residue is weakly conserved and there is a moderate physicochemical difference between arginine and serine.

GeneDx
Classification: Uncertain significance. Last evaluated: 2016-02-09. Review status: criteria provided, single submitter. Criteria: GeneDx Variant Classification (06012015). Collection method: clinical testing. Allele origin: germline. Affected: yes.
Comment: This variant is denoted ATM c.2494C>A at the cDNA level, p.Arg832Ser (R832S) at the protein level, and results in the change of an Arginine to a Serine (CGT>AGT). This variant has not, to our knowledge, been published in the literature as pathogenic or benign. ATM Arg832Ser was not observed in approximately 6,500 individuals of European and African American ancestry in the NHLBI Exome Sequencing Project, suggesting it is not a common benign variant in these populations. Since Arginine and Serine differ in some properties, this is considered a semi-conservative amino acid substitution. ATM Arg832Ser occurs at a position that is not conserved and is not located in a known functional domain (Tavtigian 2009, Stracker 2013). In silico analyses predict that this variant is unlikely to alter protein structure or function. Based on currently available evidence, it is unclear whether ATM Arg832Ser is a pathogenic or benign variant. We consider it to be a variant of uncertain significance.

NM_000051.4(ATM):c.2494C>A (p.Arg832Ser)

Gene: ATM (ATM serine/threonine kinase; plus strand). Cytogenetic location: 11q22.3.
Variant type: single nucleotide variant.
Coding change: c.2494C>A on transcript NM_000051.4 (MANE Select); coding-DNA position 2494, C replaced by A.
Protein change: p.Arg832Ser; replaces arginine 832 with serine.
Molecular consequence: missense variant.
Genome position (GRCh38, 1-based): chr11:108,267,198, C>A. VCF-style: chr11-108267198-C-A. GRCh37 (hg19) VCF-style: chr11-108137925-C-A.
Other names: c.2494C>A, p.Arg832Ser (NM_001351834.2); short protein forms R832S.
Identifiers: ClinVar variation 246394 (VCV000246394.9), dbSNP rs2229022, ClinGen allele CA6265049.